The following is an entry in ClinVar:

ClinVar aggregate classification (germline): Uncertain significance. Review status: criteria provided, multiple submitters, no conflicts (2 of 4 stars). 2 submissions from 2 submitters: Uncertain significance (2). Last evaluated 2024-06-13.

Conditions:
Inborn genetic diseases. Identifiers: MedGen C0950123, MeSH D030342.
Peroxisome biogenesis disorder 2B (PBD2B). Identifiers: Orphanet 44, MedGen C3550234, MONDO:0008736, OMIM 202370.

Allele frequency attached by ClinVar (database versions not stated): gnomAD exomes 0.00002 and 0.00006; ExAC 0.00003.
gnomAD v4.1: 87 of 1,613,842 alleles (0.0054%); highest among the groups gnomAD compares: Non-Finnish European, 0.007%; no homozygotes.

Submissions (2):

Ambry Genetics
Classification: Uncertain significance for Inborn genetic diseases. Last evaluated: 2024-06-13. Review status: criteria provided, single submitter. Criteria: Ambry Variant Classification Scheme 2023. Collection method: clinical testing. Allele origin: germline.

Labcorp Genetics (formerly Invitae), Labcorp
Classification: Uncertain significance for Peroxisome biogenesis disorder 2B. Last evaluated: 2023-11-13. Review status: criteria provided, single submitter. Criteria: Invitae Variant Classification Sherloc (09022015). Collection method: clinical testing. Allele origin: germline.
Comment: This sequence change replaces asparagine, which is neutral and polar, with aspartic acid, which is acidic and polar, at codon 136 of the PEX5 protein (p.Asn136Asp). This variant is present in population databases (rs766587819, gnomAD 0.005%). This variant has not been reported in the literature in individuals affected with PEX5-related conditions. ClinVar contains an entry for this variant (Variation ID: 1441202). Advanced modeling of protein sequence and biophysical properties (such as structural, functional, and spatial information, amino acid conservation, physicochemical variation, residue mobility, and thermodynamic stability) performed at Invitae indicates that this missense variant is not expected to disrupt PEX5 protein function with a negative predictive value of 80%. In summary, the available evidence is currently insufficient to determine the role of this variant in disease. Therefore, it has been classified as a Variant of Uncertain Significance.

NM_001351132.2(PEX5):c.406A>G (p.Asn136Asp)

Gene: PEX5 (peroxisomal biogenesis factor 5; plus strand). Cytogenetic location: 12p13.31.
Variant type: single nucleotide variant.
Coding change: c.406A>G on transcript NM_001351132.2 (MANE Select); coding-DNA position 406, A replaced by G.
Protein change: p.Asn136Asp; replaces asparagine 136 with aspartic acid.
Molecular consequence: missense variant.
Genome position (GRCh38, 1-based): chr12:7,191,658, A>G. VCF-style: chr12-7191658-A-G. GRCh37 (hg19) VCF-style: chr12-7344254-A-G.
Other names: c.406A>G, p.Asn136Asp (NM_000319.5, NM_001131024.2, NM_001131025.2 and 19 more transcripts); c.451A>G, p.Asn151Asp (NM_001131023.2, NM_001351135.3, NM_001351138.2); c.406A>G (NM_001131025.1); short protein forms N136D, N151D.
Identifiers: ClinVar variation 1441202 (VCV001441202.5), dbSNP rs766587819, ClinGen allele CA6426124.